The following is an entry in ClinVar:

NM_170784.3(MKKS):c.1111T>A (p.Cys371Ser)

Gene: MKKS (MKKS centrosomal shuttling protein; minus strand). Cytogenetic location: 20p12.2.
Variant type: single nucleotide variant.
Coding change: c.1111T>A on transcript NM_170784.3 (MANE Select); coding-DNA position 1111, T replaced by A.
Protein change: p.Cys371Ser; replaces cysteine 371 with serine.
Molecular consequence: missense variant. On other transcripts: non-coding transcript variant (1).
Genome position (GRCh38, 1-based): chr20:10,408,678, A>T on the plus strand (T>A on the coding strand, the complement: MKKS is on the minus strand). VCF-style: chr20-10408678-A-T. GRCh37 (hg19) VCF-style: chr20-10389326-A-T.
Other names: c.1111T>A, p.Cys371Ser (NM_018848.3); c.1111T>A (NM_018848.2); short protein forms C371S.
Identifiers: ClinVar variation 838169 (VCV000838169.13), dbSNP rs144892179, ClinGen allele CA9763560.

ClinVar aggregate classification (germline): Conflicting classifications of pathogenicity. Review status: criteria provided, conflicting classifications (1 of 4 stars). 5 submissions from 5 submitters: Uncertain significance (4); Likely benign (1). Last evaluated 2026-06-24.

Conditions:
MKKS-related disorder. Also called: MKKS-related disorders; MKKS-related condition.
McKusick-Kaufman syndrome (MKKS). Also called: HYDROMETROCOLPOS SYNDROME; HYDROMETROCOLPOS, POSTAXIAL POLYDACTYLY, AND CONGENITAL HEART MALFORMATION. Identifiers: Orphanet 2473, MedGen C0948368, MONDO:0009367, OMIM 236700.
Bardet-Biedl syndrome (BBS). Identifiers: Orphanet 110, MedGen C0752166, MONDO:0015229.
Inborn genetic diseases. Identifiers: MedGen C0950123, MeSH D030342.
Bardet-Biedl syndrome 6 (BBS6). Identifiers: Orphanet 110, MedGen C1858054, MONDO:0011523, OMIM 605231.

Allele frequency attached by ClinVar (database versions not stated): ESP Exome Variant Server 0.00046; TOPMed 0.00048; 1000 Genomes Project 30x 0.00078; 1000 Genomes Project 0.00080.
gnomAD v4.1: 104 of 1,614,146 alleles (0.0064%); highest among the groups gnomAD compares: African/African-American, 0.13%; no homozygotes.

Submissions (5):

PreventionGenetics, part of Exact Sciences
Classification: Uncertain significance for MKKS-related condition. Last evaluated: 2026-06-24. Review status: criteria provided, single submitter. Criteria: ACMG Guidelines, 2015. Collection method: clinical testing. Allele origin: germline.
Comment: The MKKS c.1111T>A variant is predicted to result in the amino acid substitution p.Cys371Ser. To our knowledge, this variant has not been reported in the literature. This variant is reported in 0.13% of alleles in individuals of African descent in gnomAD, which may be too common to be an unreported disease-causing variant. Although we suspect that this variant may be benign, at this time, the clinical significance of this variant is uncertain due to the absence of conclusive functional and genetic evidence.

Ambry Genetics
Classification: Likely benign for Inborn genetic diseases. Last evaluated: 2025-08-09. Review status: criteria provided, single submitter. Criteria: Ambry Variant Classification Scheme 2023. Collection method: clinical testing. Allele origin: germline.

Fulgent Genetics
Classification: Uncertain significance for McKusick-Kaufman syndrome; Bardet-Biedl syndrome 6. Last evaluated: 2024-06-24. Review status: criteria provided, single submitter. Criteria: ACMG Guidelines, 2015. Collection method: clinical testing. Allele origin: germline.

Labcorp Genetics (formerly Invitae), Labcorp
Classification: Uncertain significance for McKusick-Kaufman syndrome; Bardet-Biedl syndrome. Last evaluated: 2022-11-03. Review status: criteria provided, single submitter. Criteria: Invitae Variant Classification Sherloc (09022015). Collection method: clinical testing. Allele origin: germline.
Comment: This sequence change replaces cysteine, which is neutral and slightly polar, with serine, which is neutral and polar, at codon 371 of the MKKS protein (p.Cys371Ser). This variant is present in population databases (rs144892179, gnomAD 0.1%). This variant has not been reported in the literature in individuals affected with MKKS-related conditions. ClinVar contains an entry for this variant (Variation ID: 838169). Algorithms developed to predict the effect of missense changes on protein structure and function output the following: SIFT: "Deleterious"; PolyPhen-2: "Benign"; Align-GVGD: "Class C65". The serine amino acid residue is found in multiple mammalian species, which suggests that this missense change does not adversely affect protein function. In summary, the available evidence is currently insufficient to determine the role of this variant in disease. Therefore, it has been classified as a Variant of Uncertain Significance.

Genetic Services Laboratory, University of Chicago
Classification: Uncertain significance. Last evaluated: 2018-07-14. Review status: criteria provided, single submitter. Criteria: ACMG Guidelines, 2015. Collection method: clinical testing. Allele origin: germline. Affected: no.